The following is an entry in ClinVar:

ClinVar aggregate classification (germline): Likely benign. Review status: criteria provided, single submitter (1 of 4 stars). 2 submissions from 2 submitters: Likely benign (1). 1 of the submissions does not count toward it. Last evaluated 2022-11-01.

Conditions:
GPI-related disorder. Also called: GPI-related condition.

Allele frequency attached by ClinVar (database versions not stated): gnomAD 0.00004; TOPMed 0.00004; ExAC 0.00024; 1000 Genomes Project 0.00040; 1000 Genomes Project 30x 0.00047.
gnomAD v4.1: 152 of 1,586,940 alleles (0.0096%); highest among the groups gnomAD compares: South Asian, 0.072%; 2 homozygotes.

Submissions (2):

CeGaT Center for Human Genetics Tuebingen
Classification: Likely benign. Last evaluated: 2022-11-01. Review status: criteria provided, single submitter. Criteria: CeGaT Center For Human Genetics Tuebingen Variant Classification Criteria Version 2. Collection method: clinical testing. Allele origin: germline. Affected: yes. Observed: 1 variant allele.
Comment: GPI: BP4, BP7

PreventionGenetics, part of Exact Sciences
Classification: Likely benign for GPI-related condition. Last evaluated: 2019-11-16. Review status: no assertion criteria provided. Collection method: clinical testing. Allele origin: germline. Not counted in ClinVar's aggregate classification.
Comment: This variant is classified as likely benign based on ACMG/AMP sequence variant interpretation guidelines (Richards et al. 2015 PMID: 25741868, with internal and published modifications).

NM_000175.5(GPI):c.45A>G (p.Gln15=)

Gene: GPI (glucose-6-phosphate isomerase; plus strand). Cytogenetic location: 19q13.11.
Variant type: single nucleotide variant.
Coding change: c.45A>G on transcript NM_000175.5 (MANE Select); coding-DNA position 45, A replaced by G.
Protein change: p.Gln15=; no amino-acid change (glutamine 15 retained).
Molecular consequence: synonymous variant.
Genome position (GRCh38, 1-based): chr19:34,365,311, A>G. VCF-style: chr19-34365311-A-G. GRCh37 (hg19) VCF-style: chr19-34856216-A-G.
Other names: c.45A>G (NM_000175.4); c.162A>G, p.Gln54= (NM_001184722.1, NM_001289789.1); c.45A>G, p.Gln15= (NM_001289790.3, NM_001329909.1, NM_001329910.1 and 1 more transcripts).
Identifiers: ClinVar variation 2649704 (VCV002649704.25), dbSNP rs572523544, ClinGen allele CA9366777.